The following is an entry in ClinVar:

NM_080473.5(GATA5):c.913+5G>A

Gene: GATA5 (GATA binding protein 5; minus strand). Cytogenetic location: 20q13.33.
Variant type: single nucleotide variant.
Coding change: c.913+5G>A on transcript NM_080473.5 (MANE Select); 5 bases into the intron after coding-DNA position 913, G replaced by A.
Molecular consequence: intron variant.
Genome position (GRCh38, 1-based): chr20:62,465,829, C>T on the plus strand (G>A on the coding strand, the complement: GATA5 is on the minus strand). VCF-style: chr20-62465829-C-T. GRCh37 (hg19) VCF-style: chr20-61040885-C-T.
Identifiers: ClinVar variation 2073564 (VCV002073564.4), dbSNP rs782548862, ClinGen allele CA9946136.

ClinVar aggregate classification (germline): Uncertain significance (1 of 4 stars; one submission).

Allele frequency attached by ClinVar (database versions not stated): gnomAD exomes 0.00002; ExAC 0.00003.

Submission:

Labcorp Genetics (formerly Invitae), Labcorp
Classification: Uncertain significance. Last evaluated: 2025-09-14. Review status: criteria provided, single submitter. Criteria: Invitae Variant Classification Sherloc (09022015). Collection method: clinical testing. Allele origin: germline.
Comment: This sequence change falls in intron 5 of the GATA5 gene. It does not directly change the encoded amino acid sequence of the GATA5 protein. It affects a nucleotide within the consensus splice site. The frequency data for this variant in the population databases is considered unreliable, as metrics indicate poor data quality at this position in the gnomAD database. This variant has not been reported in the literature in individuals affected with GATA5-related conditions. ClinVar contains an entry for this variant (Variation ID: 2073564). Variants that disrupt the consensus splice site are a relatively common cause of aberrant splicing (PMID: 17576681, 9536098). Algorithms developed to predict the effect of sequence changes on RNA splicing suggest that this variant may disrupt the consensus splice site. In summary, the available evidence is currently insufficient to determine the role of this variant in disease. Therefore, it has been classified as a Variant of Uncertain Significance.

Literature cited by the submitters: PubMed 17576681; PubMed 9536098.